The following is an entry in ClinVar:

NM_004963.4(GUCY2C):c.51dup (p.Gly18fs)

Genes: GUCY2C (guanylate cyclase 2C; minus strand), GUCY2C-AS1 (GUCY2C antisense RNA 1; plus strand). Cytogenetic location: 12p12.3.
Variant type: Duplication.
Coding change: c.51dup on transcript NM_004963.4 (MANE Select); coding-DNA position 51, one base duplicated (C; older notation c.51dupC).
Protein change: p.Gly18fs; shifts the reading frame from glycine 18.
Molecular consequence: frameshift variant.
Genome position (GRCh38, 1-based): chr12:14,696,398, G duplicated on the plus strand (C on the coding strand, the reverse complement: GUCY2C is on the minus strand); the first of 3 consecutive G bases (chr12:14,696,398-14,696,400); duplicating any one gives the same sequence. VCF-style (leftmost placement, unchanged base first): chr12-14696397-C-CG. GRCh37 (hg19) VCF-style: chr12-14849331-C-CG.
Other names: short protein forms G18fs.
Identifiers: ClinVar variation 2161785 (VCV002161785.5), dbSNP rs774667505, ClinGen allele CA6463855.
Genomic context (GRCh38, chr12:14,696,397, plus strand): 5'-TGATTTCATAGCTGCCATTGTGGCAGTTCTGACTCACCTGGGAACTAAAGGACAGCCACC[C>CG]GGGCTGGAAGAGCAGTGACCACAAAGCCAAGTCCAACAGCAACGTCTTCATGACCCCAAT-3'

ClinVar aggregate classification (germline): Uncertain significance. Review status: criteria provided, multiple submitters, no conflicts (2 of 4 stars). 2 submissions from 2 submitters: Uncertain significance (2). Last evaluated 2025-08-27.

Submissions (2):

Labcorp Genetics (formerly Invitae), Labcorp
Classification: Uncertain significance. Last evaluated: 2025-08-27. Review status: criteria provided, single submitter. Criteria: Invitae Variant Classification Sherloc (09022015). Collection method: clinical testing. Allele origin: germline.
Comment: This sequence change creates a premature translational stop signal (p.Gly18Argfs*6) in the GUCY2C gene. It is expected to result in an absent or disrupted protein product. However, the current clinical and genetic evidence is not sufficient to establish whether loss-of-function variants in GUCY2C cause disease. This variant is present in population databases (rs774667505, gnomAD 0.007%). This variant has not been reported in the literature in individuals affected with GUCY2C-related conditions. ClinVar contains an entry for this variant (Variation ID: 2161785). In summary, the available evidence is currently insufficient to determine the role of this variant in disease. Therefore, it has been classified as a Variant of Uncertain Significance.

Blueprint Genetics
Classification: Uncertain significance. Last evaluated: 2024-06-10. Review status: criteria provided, single submitter. Criteria: ACMG Guidelines, 2015. Collection method: clinical testing. Allele origin: germline.